The following is an entry in ClinVar:

NM_002109.6(HARS1):c.784G>A (p.Glu262Lys)

Gene: HARS1 (histidyl-tRNA synthetase 1; minus strand). Cytogenetic location: 5q31.3.
Variant type: single nucleotide variant.
Coding change: c.784G>A on transcript NM_002109.6 (MANE Select); coding-DNA position 784, G replaced by A.
Protein change: p.Glu262Lys; replaces glutamic acid 262 with lysine.
Molecular consequence: missense variant.
Genome position (GRCh38, 1-based): chr5:140,677,366, C>T on the plus strand (G>A on the coding strand, the complement: HARS1 is on the minus strand). VCF-style: chr5-140677366-C-T. GRCh37 (hg19) VCF-style: chr5-140056951-C-T.
Other names: c.664G>A, p.Glu222Lys (NM_001258040.3); c.724G>A, p.Glu242Lys (NM_001258041.3); c.604G>A, p.Glu202Lys (NM_001258042.3); c.562G>A, p.Glu188Lys (NM_001289092.2); c.442G>A, p.Glu148Lys (NM_001289093.2); c.697G>A, p.Glu233Lys (NM_001289094.2); short protein forms E148K, E188K, E202K, E222K, E233K, E242K, E262K.
Identifiers: ClinVar variation 1003931 (VCV001003931.8), dbSNP rs1758442472, ClinGen allele CA361253876.

ClinVar aggregate classification (germline): Uncertain significance (1 of 4 stars; one submission).

Conditions:
Usher syndrome type 3B. Also called: USHER SYNDROME, TYPE IIIB. Identifiers: MedGen C3281066, MONDO:0013788, OMIM 614504.

Allele frequency attached by ClinVar (database versions not stated): gnomAD exomes below 0.00001.
gnomAD v4.1: 4 of 1,613,998 alleles (0.00025%); highest among the groups gnomAD compares: African/African-American, 0.0013%; no homozygotes.

Submission:

Labcorp Genetics (formerly Invitae), Labcorp
Classification: Uncertain significance for Usher syndrome type 3B. Last evaluated: 2024-08-14. Review status: criteria provided, single submitter. Criteria: Invitae Variant Classification Sherloc (09022015). Collection method: clinical testing. Allele origin: germline.
Comment: This sequence change replaces glutamic acid, which is acidic and polar, with lysine, which is basic and polar, at codon 262 of the HARS protein (p.Glu262Lys). This variant is not present in population databases (gnomAD no frequency). This variant has not been reported in the literature in individuals affected with HARS-related conditions. ClinVar contains an entry for this variant (Variation ID: 1003931). Invitae Evidence Modeling of protein sequence and biophysical properties (such as structural, functional, and spatial information, amino acid conservation, physicochemical variation, residue mobility, and thermodynamic stability) indicates that this missense variant is not expected to disrupt HARS protein function with a negative predictive value of 80%. In summary, the available evidence is currently insufficient to determine the role of this variant in disease. Therefore, it has been classified as a Variant of Uncertain Significance.